The following is an entry in ClinVar:

ClinVar aggregate classification (germline): Uncertain significance. Review status: criteria provided, multiple submitters, no conflicts (2 of 4 stars). 3 submissions from 3 submitters: Uncertain significance (3). Last evaluated 2025-07-23.

Conditions:
Lung cancer. Also called: Malignant tumor of lung; Lung cancer, somatic. Identifiers: MedGen C0242379, MONDO:0008903, OMIM 211980.
Inflammatory skin and bowel disease, neonatal, 2 (NNCIS). Identifiers: Orphanet 294023, MedGen C4015130, MONDO:0014481, OMIM 616069.
Hereditary cancer-predisposing syndrome. Also called: Neoplastic Syndromes, Hereditary; Hereditary Cancer Syndrome; Tumor predisposition; Hereditary neoplastic syndrome. Identifiers: Orphanet 140162, MedGen C0027672, MeSH D009386, MONDO:0015356.
EGFR-related lung cancer (EGFR). Identifiers: MedGen CN130014.

Allele frequency attached by ClinVar (database versions not stated): gnomAD exomes below 0.00001 and 0.00001; TOPMed below 0.00001; gnomAD 0.00001.
gnomAD v4.1: 16 of 1,614,016 alleles (0.00099%); highest among the groups gnomAD compares: Non-Finnish European, 0.0014%; no homozygotes.

Submissions (3):

Labcorp Genetics (formerly Invitae), Labcorp
Classification: Uncertain significance for EGFR-related lung cancer. Last evaluated: 2025-07-23. Review status: criteria provided, single submitter. Criteria: Invitae Variant Classification Sherloc (09022015). Collection method: clinical testing. Allele origin: germline.
Comment: This sequence change replaces aspartic acid, which is acidic and polar, with histidine, which is basic and polar, at codon 1012 of the EGFR protein (p.Asp1012His). This variant is present in population databases (no rsID available, gnomAD 0.0009%). This variant has not been reported in the literature in individuals affected with EGFR-related conditions. ClinVar contains an entry for this variant (Variation ID: 1036068). Invitae Evidence Modeling of protein sequence and biophysical properties (such as structural, functional, and spatial information, amino acid conservation, physicochemical variation, residue mobility, and thermodynamic stability) indicates that this missense variant is not expected to disrupt EGFR protein function with a negative predictive value of 80%. In summary, the available evidence is currently insufficient to determine the role of this variant in disease. Therefore, it has been classified as a Variant of Uncertain Significance.

Ambry Genetics
Classification: Uncertain significance for Hereditary cancer-predisposing syndrome. Last evaluated: 2024-12-19. Review status: criteria provided, single submitter. Criteria: Ambry Variant Classification Scheme 2023. Collection method: clinical testing. Allele origin: germline.
Comment: The p.D1012H variant (also known as c.3034G>C), located in coding exon 25 of the EGFR gene, results from a G to C substitution at nucleotide position 3034. The aspartic acid at codon 1012 is replaced by histidine, an amino acid with similar properties. This amino acid position is highly conserved in available vertebrate species. In addition, this alteration is predicted to be deleterious by in silico analysis. Based on the available evidence, the clinical significance of this variant remains unclear.

Fulgent Genetics
Classification: Uncertain significance for Lung cancer; Inflammatory skin and bowel disease, neonatal, 2. Last evaluated: 2024-05-30. Review status: criteria provided, single submitter. Criteria: ACMG Guidelines, 2015. Collection method: clinical testing. Allele origin: germline.

NM_005228.5(EGFR):c.3034G>C (p.Asp1012His)

Gene: EGFR (epidermal growth factor receptor; plus strand). Cytogenetic location: 7p11.2.
Variant type: single nucleotide variant.
Coding change: c.3034G>C on transcript NM_005228.5 (MANE Select); coding-DNA position 3034, G replaced by C.
Protein change: p.Asp1012His; replaces aspartic acid 1012 with histidine.
Molecular consequence: missense variant.
Genome position (GRCh38, 1-based): chr7:55,201,275, G>C. VCF-style: chr7-55201275-G-C. GRCh37 (hg19) VCF-style: chr7-55268968-G-C.
Other names: c.3034G>C, p.Asp1012His (NM_001346898.2); c.2899G>C, p.Asp967His (NM_001346899.2, NM_001346897.2); c.2875G>C, p.Asp959His (NM_001346900.2); c.2233G>C, p.Asp745His (NM_001346941.2); c.3034G>C (NM_005228.3); short protein forms D959H, D967H, D745H, D1012H.
Identifiers: ClinVar variation 1036068 (VCV001036068.8), dbSNP rs1420841957, ClinGen allele CA367582527.